The following is an entry in ClinVar:

NM_004247.4(EFTUD2):c.2413G>A (p.Gly805Arg)

Gene: EFTUD2 (elongation factor Tu GTP binding domain containing 2; minus strand). Cytogenetic location: 17q21.31.
Variant type: single nucleotide variant.
Coding change: c.2413G>A on transcript NM_004247.4 (MANE Select); coding-DNA position 2413, G replaced by A.
Protein change: p.Gly805Arg; replaces glycine 805 with arginine.
Molecular consequence: missense variant.
Genome position (GRCh38, 1-based): chr17:44,853,570, C>T on the plus strand (G>A on the coding strand, the complement: EFTUD2 is on the minus strand). VCF-style: chr17-44853570-C-T. GRCh37 (hg19) VCF-style: chr17-42930938-C-T.
Other names: c.2308G>A, p.Gly770Arg (NM_001142605.2); c.2413G>A, p.Gly805Arg (NM_001258353.2); c.2383G>A, p.Gly795Arg (NM_001258354.2); short protein forms G770R, G795R, G805R.
Identifiers: ClinVar variation 4870206 (VCV004870206.1).

ClinVar aggregate classification (germline): Uncertain significance (1 of 4 stars; one submission).

Conditions:
Inborn genetic diseases. Identifiers: MedGen C0950123, MeSH D030342.

gnomAD v4.1: 4 of 1,614,070 alleles (0.00025%); highest among the groups gnomAD compares: South Asian, 0.0022%; no homozygotes.

Submission:

Ambry Genetics
Classification: Uncertain significance for Inborn genetic diseases. Last evaluated: 2026-05-26. Review status: criteria provided, single submitter. Criteria: Ambry Variant Classification Scheme 2023. Collection method: clinical testing. Allele origin: germline.
Comment: The c.2413G>A (p.G805R) alteration is located in exon 24 (coding exon 23) of the EFTUD2 gene. This alteration results from a G to A substitution at nucleotide position 2413, causing the glycine (G) at amino acid position 805 to be replaced by an arginine (R). Based on data from gnomAD, the A allele has an overall frequency of <0.001% (1/251232) total alleles studied. The highest observed frequency was 0.003% (1/30614) of South Asian alleles. Based on insufficient or conflicting evidence, the clinical significance of this alteration remains unclear.